The following is an entry in ClinVar:

NM_003263.4(TLR1):c.1406C>T (p.Ala469Val)

Gene: TLR1 (toll like receptor 1; minus strand). Cytogenetic location: 4p14.
Variant type: single nucleotide variant.
Coding change: c.1406C>T on transcript NM_003263.4 (MANE Select); coding-DNA position 1406, C replaced by T.
Protein change: p.Ala469Val; replaces alanine 469 with valine.
Molecular consequence: missense variant.
Genome position (GRCh38, 1-based): chr4:38,797,426, G>A on the plus strand (C>T on the coding strand, the complement: TLR1 is on the minus strand). VCF-style: chr4-38797426-G-A. GRCh37 (hg19) VCF-style: chr4-38799047-G-A.
Other names: c.1406C>T (NM_003263.3); short protein forms A469V.
Identifiers: ClinVar variation 1049016 (VCV001049016.2), dbSNP rs141556246, ClinGen allele CA2889363.

ClinVar aggregate classification (germline): Uncertain significance. Review status: criteria provided, single submitter (1 of 4 stars). 2 submissions from 2 submitters: Uncertain significance (1). 1 of the submissions does not count toward it. Last evaluated 2025-03-01.

Allele frequency attached by ClinVar (database versions not stated): gnomAD exomes 0.00001 and 0.00003; ExAC 0.00005; gnomAD 0.00015 and 0.00017; 1000 Genomes Project 30x 0.00016; TOPMed 0.00019; 1000 Genomes Project 0.00020; ESP Exome Variant Server 0.00031.
gnomAD v4.1: 47 of 1,614,206 alleles (0.0029%); highest among the groups gnomAD compares: African/African-American, 0.051%; no homozygotes.

Submissions (2):

Ambry Genetics
Classification: Uncertain significance. Last evaluated: 2025-03-01. Review status: criteria provided, single submitter. Criteria: Ambry Variant Classification Scheme 2023. Collection method: clinical testing. Allele origin: germline.

Department of Pathology and Laboratory Medicine, Sinai Health System
Classification: Uncertain significance. Review status: no assertion criteria provided. Collection method: clinical testing. Allele origin: unknown. Affected: yes. Study: The Canadian Open Genetics Repository (COGR). Not counted in ClinVar's aggregate classification.
Comment: The TLR1 p.Ala469Val variant was not identified in the literature nor was it identified in ClinVar, Cosmic or LOVD 3.0. The variant was identified in dbSNP (ID: rs141556246) and in control databases in 11 of 282744 chromosomes at a frequency of 0.000039 (Genome Aggregation Database Feb 27, 2017). The variant was observed in the African population in 11 of 24954 chromosomes (freq: 0.000441), while the variant was not observed in the Latino, Ashkenazi Jewish, East Asian, European (Finnish), European (non-Finnish), Other or South Asian populations. The p.Ala469 residue is not conserved in mammals and computational analyses (PolyPhen-2, SIFT, AlignGVGD, BLOSUM, MutationTaster) do not suggest a high likelihood of impact to the protein; however, this information is not predictive enough to rule out pathogenicity. The variant occurs outside of the splicing consensus sequence and in silico or computational prediction software programs (SpliceSiteFinder, MaxEntScan, NNSPLICE, GeneSplicer) do not predict a difference in splicing. In summary, based on the above information the clinical significance of this variant cannot be determined with certainty at this time. This variant is classified as a variant of uncertain significance.